The following is an entry in ClinVar:

ClinVar aggregate classification (germline): Uncertain significance (1 of 4 stars; one submission).

Allele frequency attached by ClinVar (database versions not stated): TOPMed below 0.00001.

Submission:

Ambry Genetics
Classification: Uncertain significance. Last evaluated: 2024-03-09. Review status: criteria provided, single submitter. Criteria: Ambry Variant Classification Scheme 2023. Collection method: clinical testing. Allele origin: germline.
Comment: The p.V56A variant (also known as c.167T>C), located in coding exon 2 of the FAM175A gene, results from a T to C substitution at nucleotide position 167. The valine at codon 56 is replaced by alanine, an amino acid with similar properties. This amino acid position is conserved. In addition, the in silico prediction for this alteration is inconclusive. Since supporting evidence is limited at this time, the clinical significance of this alteration remains unclear.

NM_139076.3(ABRAXAS1):c.167T>C (p.Val56Ala)

Gene: ABRAXAS1 (abraxas 1, BRCA1 A complex subunit; minus strand). Cytogenetic location: 4q21.23.
Variant type: single nucleotide variant.
Coding change: c.167T>C on transcript NM_139076.3 (MANE Select); coding-DNA position 167, T replaced by C.
Protein change: p.Val56Ala; replaces valine 56 with alanine.
Molecular consequence: missense variant. On other transcripts: 5 prime UTR variant (1).
Genome position (GRCh38, 1-based): chr4:83,482,165, A>G on the plus strand (T>C on the coding strand, the complement: ABRAXAS1 is on the minus strand). VCF-style: chr4-83482165-A-G. GRCh37 (hg19) VCF-style: chr4-84403318-A-G.
Other names: c.-94T>C (NM_001345962.2); short protein forms V56A.
Identifiers: ClinVar variation 1800361 (VCV001800361.2), dbSNP rs1419839462, ClinGen allele CA357263184.